The following is an entry in ClinVar:

NM_014391.3(ANKRD1):c.534G>T (p.Gln178His)

Gene: ANKRD1 (ankyrin repeat domain 1; minus strand). Cytogenetic location: 10q23.31.
Variant type: single nucleotide variant.
Coding change: c.534G>T on transcript NM_014391.3 (MANE Select); coding-DNA position 534, G replaced by T.
Protein change: p.Gln178His; replaces glutamine 178 with histidine.
Molecular consequence: missense variant.
Genome position (GRCh38, 1-based): chr10:90,917,750, C>A on the plus strand (G>T on the coding strand, the complement: ANKRD1 is on the minus strand). VCF-style: chr10-90917750-C-A. GRCh37 (hg19) VCF-style: chr10-92677507-C-A.
Other names: short protein forms Q178H.
Identifiers: ClinVar variation 1675228 (VCV001675228.7), dbSNP rs1415990803, ClinGen allele CA377551375.
Genomic context (GRCh38, chr10:90,917,750, plus strand): 5'-CTACTTCTTTTGGCTCATTCCCAAGCAAAGAAATATATTTACCATATCACGGAATTCGAT[C>A]TGGGCTCCAGCTTCCATTAACTTCTCCACAATTGCCAAATGTCCTTCCAAGCATGCTCTA-3'
Protein context (NP_055206.2, residues 168-188): IVEKLMEAGA[Gln178His]IEFRDMLEST

ClinVar aggregate classification (germline): Uncertain significance. Review status: criteria provided, multiple submitters, no conflicts (2 of 4 stars). 3 submissions from 3 submitters: Uncertain significance (3). Last evaluated 2025-04-12.

Conditions:
Cardiovascular phenotype. Identifiers: MedGen CN230736.
ANKRD1-related dilated cardiomyopathy. Identifiers: MedGen CN119551.

Allele frequency attached by ClinVar (database versions not stated): gnomAD 0.00001; TOPMed 0.00002.
gnomAD v4.1: 1 of 1,613,832 alleles (0.000062%); highest among the groups gnomAD compares: African/African-American, 0.0013%; no homozygotes.

Submissions (3):

Ambry Genetics
Classification: Uncertain significance for Cardiovascular phenotype. Last evaluated: 2025-04-12. Review status: criteria provided, single submitter. Criteria: Ambry Variant Classification Scheme 2023. Collection method: clinical testing. Allele origin: germline.
Comment: The p.Q178H variant (also known as c.534G>T), located in coding exon 5 of the ANKRD1 gene, results from a G to T substitution at nucleotide position 534. The glutamine at codon 178 is replaced by histidine, an amino acid with highly similar properties. This amino acid position is conserved. In addition, this alteration is predicted to be tolerated by in silico analysis. Since supporting evidence is limited at this time, the clinical significance of this alteration remains unclear.

Labcorp Genetics (formerly Invitae), Labcorp
Classification: Uncertain significance for ANKRD1-related dilated cardiomyopathy. Last evaluated: 2024-06-17. Review status: criteria provided, single submitter. Criteria: Invitae Variant Classification Sherloc (09022015). Collection method: clinical testing. Allele origin: germline.
Comment: This sequence change replaces glutamine, which is neutral and polar, with histidine, which is basic and polar, at codon 178 of the ANKRD1 protein (p.Gln178His). This variant is not present in population databases (gnomAD no frequency). This variant has not been reported in the literature in individuals affected with ANKRD1-related conditions. ClinVar contains an entry for this variant (Variation ID: 1675228). Advanced modeling of protein sequence and biophysical properties (such as structural, functional, and spatial information, amino acid conservation, physicochemical variation, residue mobility, and thermodynamic stability) performed at Invitae indicates that this missense variant is not expected to disrupt ANKRD1 protein function with a negative predictive value of 80%. In summary, the available evidence is currently insufficient to determine the role of this variant in disease. Therefore, it has been classified as a Variant of Uncertain Significance.

GeneDx
Classification: Uncertain significance. Last evaluated: 2021-11-08. Review status: criteria provided, single submitter. Criteria: GeneDx Variant Classification Process June 2021. Collection method: clinical testing. Allele origin: germline. Affected: yes.
Comment: Has not been previously published as pathogenic or benign to our knowledge; Not observed at significant frequency in large population cohorts (gnomAD); In silico analysis supports that this missense variant does not alter protein structure/function